The following is an entry in ClinVar:

ClinVar aggregate classification (germline): Likely benign (1 of 4 stars; one submission).

Submission:

CeGaT Center for Human Genetics Tuebingen
Classification: Likely benign. Last evaluated: 2024-10-01. Review status: criteria provided, single submitter. Criteria: CeGaT Center For Human Genetics Tuebingen Variant Classification Criteria Version 2. Collection method: clinical testing. Allele origin: germline. Affected: yes. Observed: 1 variant allele.
Comment: MUC5B: BP4

NM_002458.3(MUC5B):c.6590C>G (p.Thr2197Arg)

Genes: MUC5B (mucin 5B, oligomeric mucus/gel-forming; plus strand), MUC5B-AS1 (MUC5B antisense RNA 1; minus strand). Cytogenetic location: 11p15.5.
Variant type: single nucleotide variant.
Coding change: c.6590C>G on transcript NM_002458.3 (MANE Select); coding-DNA position 6590, C replaced by G.
Protein change: p.Thr2197Arg; replaces threonine 2197 with arginine.
Molecular consequence: missense variant.
Genome position (GRCh38, 1-based): chr11:1,243,470, C>G. VCF-style: chr11-1243470-C-G. GRCh37 (hg19) VCF-style: chr11-1264700-C-G.
Other names: short protein forms T2197R.
Identifiers: ClinVar variation 3389988 (VCV003389988.14).